The following is an entry in ClinVar:

ClinVar aggregate classification (germline): Uncertain significance (1 of 4 stars; one submission).

Conditions:
Charcot-Marie-Tooth disease type 4. Also called: Charcot-Marie-Tooth disease, type IV; Charcot-Marie-Tooth, Type 4. Identifiers: Orphanet 64749, MedGen C4082197, MONDO:0018995.

gnomAD v4.1: 1 of 1,614,122 alleles (0.000062%); highest among the groups gnomAD compares: Non-Finnish European, 0.000085%; no homozygotes.

Submission:

Labcorp Genetics (formerly Invitae), Labcorp
Classification: Uncertain significance for Charcot-Marie-Tooth disease type 4. Last evaluated: 2024-05-06. Review status: criteria provided, single submitter. Criteria: Invitae Variant Classification Sherloc (09022015). Collection method: clinical testing. Allele origin: germline.
Comment: This sequence change replaces proline, which is neutral and non-polar, with arginine, which is basic and polar, at codon 1617 of the SBF2 protein (p.Pro1617Arg). This variant is not present in population databases (gnomAD no frequency). This variant has not been reported in the literature in individuals affected with SBF2-related conditions. Advanced modeling of protein sequence and biophysical properties (such as structural, functional, and spatial information, amino acid conservation, physicochemical variation, residue mobility, and thermodynamic stability) performed at Invitae indicates that this missense variant is not expected to disrupt SBF2 protein function with a negative predictive value of 80%. In summary, the available evidence is currently insufficient to determine the role of this variant in disease. Therefore, it has been classified as a Variant of Uncertain Significance.

NM_030962.4(SBF2):c.4850C>G (p.Pro1617Arg)

Genes: SBF2 (SET binding factor 2; minus strand), SBF2-AS1 (SBF2 antisense RNA 1; plus strand), LOC105369149 (uncharacterized LOC105369149; plus strand). Cytogenetic location: 11p15.4.
Variant type: single nucleotide variant.
Coding change: c.4850C>G on transcript NM_030962.4 (MANE Select); coding-DNA position 4850, C replaced by G.
Protein change: p.Pro1617Arg; replaces proline 1617 with arginine.
Molecular consequence: missense variant.
Genome position (GRCh38, 1-based): chr11:9,789,191, G>C on the plus strand (C>G on the coding strand, the complement: SBF2 is on the minus strand). VCF-style: chr11-9789191-G-C. GRCh37 (hg19) VCF-style: chr11-9810738-G-C.
Other names: c.4946C>G, p.Pro1649Arg (NM_001386339.1); c.4721C>G, p.Pro1574Arg (NM_001386342.1); c.4886C>G, p.Pro1629Arg (NM_001424318.1, NM_001425070.1); c.4745C>G, p.Pro1582Arg (NM_001425069.1); short protein forms P1629R, P1617R, P1582R, P1649R, P1574R.
Identifiers: ClinVar variation 3705474 (VCV003705474.2).